The following is an entry in ClinVar:

ClinVar aggregate classification (germline): Likely pathogenic (1 of 4 stars; one submission).

Conditions:
Primary ciliary dyskinesia. Also called: Ciliary dyskinesia. Identifiers: Orphanet 244, MedGen C0008780, MONDO:0016575, HP:0012265.

Submission:

Labcorp Genetics (formerly Invitae), Labcorp
Classification: Likely pathogenic for Primary ciliary dyskinesia. Last evaluated: 2023-01-03. Review status: criteria provided, single submitter. Criteria: Invitae Variant Classification Sherloc (09022015). Collection method: clinical testing. Allele origin: germline.
Comment: In summary, the currently available evidence indicates that the variant is pathogenic, but additional data are needed to prove that conclusively. Therefore, this variant has been classified as Likely Pathogenic. Algorithms developed to predict the effect of sequence changes on RNA splicing suggest that this variant may disrupt the consensus splice site. This variant has not been reported in the literature in individuals affected with RPGR-related conditions. This variant is not present in population databases (gnomAD no frequency). This sequence change affects an acceptor splice site in intron 15 of the RPGR gene. It is expected to disrupt RNA splicing. Variants that disrupt the donor or acceptor splice site typically lead to a loss of protein function (PMID: 16199547), and loss-of-function variants in RPGR are known to be pathogenic (PMID: 16055928, 16969763).

Literature cited by the submitters: PubMed 16199547; PubMed 16055928; PubMed 16969763.

NC_000023.11:g.38276774T>C

Gene: RPGR (retinitis pigmentosa GTPase regulator; minus strand). Cytogenetic location: Xp11.4.
Variant type: single nucleotide variant.
Molecular consequence: splice acceptor variant (on NM_001367249.1).
Genome position: GRCh38 VCF-style: chrX-38276774-T-C. GRCh37 (hg19) VCF-style: chrX-38136027-T-C.
Other names: c.1570-2A>G (NM_001367249.1, NM_001367250.1); c.1903-2A>G (NM_001367245.1); c.1387-2A>G (NM_001367251.1); c.1720-2A>G (NM_001367246.1); c.1573-2A>G (NM_001367247.1); c.1906-2A>G (NM_000328.3); c.1603-2A>G (NM_001367248.1).
Identifiers: ClinVar variation 2826112 (VCV002826112.3), dbSNP rs2519758093, ClinGen allele CA412722409.